The following is an entry in ClinVar:

NM_001165963.4(SCN1A):c.3663G>T (p.Glu1221Asp)

Genes: SCN1A (sodium voltage-gated channel alpha subunit 1; minus strand), LOC102724058 (uncharacterized LOC102724058; plus strand). Cytogenetic location: 2q24.3.
Variant type: single nucleotide variant.
Coding change: c.3663G>T on transcript NM_001165963.4 (MANE Select); coding-DNA position 3663, G replaced by T.
Protein change: p.Glu1221Asp; replaces glutamic acid 1221 with aspartic acid.
Molecular consequence: missense variant. On other transcripts: non-coding transcript variant (1).
Genome position (GRCh38, 1-based): chr2:166,013,786, C>A on the plus strand (G>T on the coding strand, the complement: SCN1A is on the minus strand). VCF-style: chr2-166013786-C-A. GRCh37 (hg19) VCF-style: chr2-166870296-C-A.
Other names: c.3627G>T, p.Glu1209Asp (NM_001353955.2, NM_001353954.2); c.3579G>T, p.Glu1193Asp (NM_001353957.2, NM_001353958.2, NM_001165964.3); c.3576G>T, p.Glu1192Asp (NM_001353960.2); c.1221G>T, p.Glu407Asp (NM_001353961.2); c.3630G>T, p.Glu1210Asp (NM_006920.6, NM_001353949.2, NM_001353950.2 and 2 more transcripts); c.3663G>T, p.Glu1221Asp (NM_001202435.3, NM_001353948.2); short protein forms E1193D, E1209D, E1210D, E1221D, E407D, E1192D.
Identifiers: ClinVar variation 2821931 (VCV002821931.3), dbSNP rs2468531246, ClinGen allele CA349055907.

ClinVar aggregate classification (germline): Pathogenic (1 of 4 stars; one submission).

Conditions:
Early-infantile DEE. Also called: Early infantile epileptic encephalopathy; Early infantile epileptic encephalopathy with suppression bursts; Ohtahara syndrome. Identifiers: Orphanet 1934, MedGen C0393706, MONDO:0800491.

Submission:

Labcorp Genetics (formerly Invitae), Labcorp
Classification: Pathogenic for Early-infantile DEE. Last evaluated: 2024-09-27. Review status: criteria provided, single submitter. Criteria: Invitae Variant Classification Sherloc (09022015). Collection method: clinical testing. Allele origin: germline.
Comment: This sequence change replaces glutamic acid, which is acidic and polar, with aspartic acid, which is acidic and polar, at codon 1221 of the SCN1A protein (p.Glu1221Asp). This variant is not present in population databases (gnomAD no frequency). This missense change has been observed in individual(s) with clinical features of autosomal dominant SCN1A-related conditions (internal data). In at least one individual the variant was observed to be de novo. Invitae Evidence Modeling of protein sequence and biophysical properties (such as structural, functional, and spatial information, amino acid conservation, physicochemical variation, residue mobility, and thermodynamic stability) indicates that this missense variant is expected to disrupt SCN1A protein function with a positive predictive value of 95%. This variant disrupts the p.Glu1221 amino acid residue in SCN1A. Other variant(s) that disrupt this residue have been determined to be pathogenic (PMID: 21248271; internal data). This suggests that this residue is clinically significant, and that variants that disrupt this residue are likely to be disease-causing. For these reasons, this variant has been classified as Pathogenic.

Literature cited by the submitters: PubMed 21248271.